The following is an entry in ClinVar:

NM_014946.4(SPAST):c.1210_1212del (p.Phe404del)

Gene: SPAST (spastin; plus strand). Cytogenetic location: 2p22.3.
Variant type: Deletion.
Coding change: c.1210_1212del on transcript NM_014946.4 (MANE Select); coding-DNA positions 1210 to 1212, 3 bases deleted (TTT; older notation c.1210_1212delTTT).
Protein change: p.Phe404del; deletes phenylalanine 404.
Molecular consequence: inframe deletion.
Genome position (GRCh38, 1-based): chr2:32,128,444-32,128,446, TTT deleted. VCF-style (leftmost placement, unchanged base first): chr2-32128443-CTTT-C. GRCh37 (hg19) VCF-style: chr2-32353512-CTTT-C.
Other names: c.1210_1212delTTT (NM_014946.4); c.1207_1209del, p.Phe403del (NM_001363823.2); c.1111_1113del, p.Phe371del (NM_001363875.2); c.1114_1116del, p.Phe372del (NM_001377959.1, NM_199436.2); short protein forms F371del, F372del, F403del, F404del.
Identifiers: ClinVar variation 1013407 (VCV001013407.41), dbSNP rs1679265391, ClinGen allele CA915940736.

ClinVar aggregate classification (germline): Pathogenic/Likely pathogenic. Review status: criteria provided, multiple submitters, no conflicts (2 of 4 stars). 4 submissions from 4 submitters: Pathogenic (2); Likely pathogenic (2). Last evaluated 2025-08-25.

Conditions:
Hereditary spastic paraplegia 4. Also called: Spastic paraplegia 4, autosomal dominant; Familial spastic paraplegia autosomal dominant 2; Spastic Paraplegia 4. Identifiers: Orphanet 100985, MedGen C1866855, MONDO:0008438, OMIM 182601.

Submissions (4):

Labcorp Genetics (formerly Invitae), Labcorp
Classification: Pathogenic for Hereditary spastic paraplegia 4. Last evaluated: 2025-08-25. Review status: criteria provided, single submitter. Criteria: Invitae Variant Classification Sherloc (09022015). Collection method: clinical testing. Allele origin: germline.
Comment: This variant, c.1210_1212del, results in the deletion of 1 amino acid(s) of the SPAST protein (p.Phe404del), but otherwise preserves the integrity of the reading frame. This variant is not present in population databases (gnomAD no frequency). This variant has been observed in individuals with hereditary spastic paraplegia (HSP) (PMID: 12163196, 16009769, 20932283, 24731568). It has also been observed to segregate with disease in related individuals. ClinVar contains an entry for this variant (Variation ID: 1013407). For these reasons, this variant has been classified as Pathogenic.

3billion
Classification: Pathogenic for Hereditary spastic paraplegia 4. Last evaluated: 2025-03-18. Review status: criteria provided, single submitter. Criteria: ACMG Guidelines, 2015. Collection method: clinical testing. Allele origin: germline. Affected: yes.
Comment: The variant is not observed in the gnomAD v4.1.0 dataset. Predicted Consequence/Location: Inframe deletion located in a nonrepeat region: predicted to change the length of the protein and disrupt normal protein function. The variant has been observed in multiple (>3) similarly affected unrelated individuals (PMID: 12163196, 16009769, 20932283). The variant has been reported at least twice as pathogenic with clinical assertions and evidence for the classification (ClinVar ID: VCV001013407 / PMID: 16009769). Therefore, this variant is classified as Pathogenic according to the recommendation of ACMG/AMP guideline.

CeGaT Center for Human Genetics Tuebingen
Classification: Likely pathogenic. Last evaluated: 2023-08-01. Review status: criteria provided, single submitter. Criteria: CeGaT Center For Human Genetics Tuebingen Variant Classification Criteria Version 2. Collection method: clinical testing. Allele origin: germline. Affected: yes. Observed: 2 variant alleles.
Comment: SPAST: PM1, PM2, PS4:Moderate, PM4:Supporting

Molecular Genetics, Royal Melbourne Hospital
Classification: Likely pathogenic for Hereditary spastic paraplegia 4. Last evaluated: 2023-03-30. Review status: criteria provided, single submitter. Criteria: ACMG Guidelines, 2015. Collection method: clinical testing. Allele origin: germline. Affected: yes.
Comment: This sequence change is an in-frame deletion of 3 bp predicted to cause the deletion of phenylalanine at position 404 of the SPAST protein (p.Phe404del; also known as p.Phe372del in the M87 isoform). The region deleted is highly conserved (100 vertebrates, UCSC), and is located in a nonrepeat region within a beta strand in the AAA (ATPases associated with a variety of cellular activities) domain involved in microtubule severing (PM4). Pathogenic missense cluster in the AAA domain (PMID: 26094131), and there is no reported benign nonsynonymous variation in this domain (ClinVar - PM1). The variant is absent in a large population cohort (gnomAD v2.1 - PM2). It has been identified in at least four probands with a pure hereditary spastic paraplegia (HSP) diagnosis (PMID: 16009769, 20932283, 24731568 - PS4_Supporting). A variant with a different underlying in-frame deletion (c.1209_1211delCTT p.Phe404del) has been reported to segregate in a large pure dominant HSP family (PMID: 12163196). Based on the classification scheme RMH ACMG Guidelines v1.1.1, this variant is classified as LIKELY PATHOGENIC. Following criteria are met: PM1, PM2, PM4, PS4_Supporting.

Literature cited by the submitters: PubMed 12163196 (cited by 3 submitters); PubMed 16009769 (cited by 3 submitters); PubMed 20932283 (cited by 3 submitters); PubMed 24731568 (cited by Labcorp Genetics (formerly Invitae), Labcorp and Molecular Genetics, Royal Melbourne Hospital); PubMed 26094131 (cited by Molecular Genetics, Royal Melbourne Hospital).